The following is an entry in ClinVar:

ClinVar aggregate classification (germline): Likely benign. Review status: criteria provided, multiple submitters, no conflicts (2 of 4 stars). 3 submissions from 3 submitters: Likely benign (2). 1 of the submissions does not count toward it. Last evaluated 2025-11-15.

Conditions:
Inborn genetic diseases. Identifiers: MedGen C0950123, MeSH D030342.
ARID1B-Related Disorder. Identifiers: MedGen CN381337.

Allele frequency attached by ClinVar (database versions not stated): gnomAD exomes 0.00005 and 0.00004; gnomAD 0.00007.

Submissions (3):

Labcorp Genetics (formerly Invitae), Labcorp
Classification: Likely benign. Last evaluated: 2025-11-15. Review status: criteria provided, single submitter. Criteria: Invitae Variant Classification Sherloc (09022015). Collection method: clinical testing. Allele origin: germline.

Ambry Genetics
Classification: Likely benign for Inborn genetic diseases. Last evaluated: 2016-10-05. Review status: criteria provided, single submitter. Criteria: Ambry Variant Classification Scheme 2023. Collection method: clinical testing. Allele origin: germline.

PreventionGenetics, part of Exact Sciences
Classification: Likely benign for ARID1B-related condition. Last evaluated: 2019-05-23. Review status: no assertion criteria provided. Collection method: clinical testing. Allele origin: germline. Not counted in ClinVar's aggregate classification.
Comment: This variant is classified as likely benign based on ACMG/AMP sequence variant interpretation guidelines (Richards et al. 2015 PMID: 25741868, with internal and published modifications).

NM_001374828.1(ARID1B):c.381A>G (p.Ala127=)

Genes: ARID1B (AT-rich interaction domain 1B; plus strand), LOC115308161 (uncharacterized LOC115308161; minus strand). Cytogenetic location: 6q25.3.
Variant type: single nucleotide variant.
Coding change: c.381A>G on transcript NM_001374828.1 (MANE Select); coding-DNA position 381, A replaced by G.
Protein change: p.Ala127=; no amino-acid change (alanine 127 retained).
Molecular consequence: synonymous variant.
Genome position (GRCh38, 1-based): chr6:156,778,061, A>G. VCF-style: chr6-156778061-A-G. GRCh37 (hg19) VCF-style: chr6-157099195-A-G.
Other names: c.132A>G, p.Ala44= (NM_020732.3); c.381A>G, p.Ala127= (NM_001371656.1, NM_001374820.1, NM_017519.3).
Identifiers: ClinVar variation 589423 (VCV000589423.12), dbSNP rs1157661615, ClinGen allele CA452988884.